The following is an entry in ClinVar:

NM_000321.3(RB1):c.800del (p.Leu267fs)

Gene: RB1 (RB transcriptional corepressor 1; plus strand). Cytogenetic location: 13q14.2.
Variant type: Deletion.
Coding change: c.800del on transcript NM_000321.3 (MANE Select); coding-DNA position 800, one base deleted (T; older notation c.800delT).
Protein change: p.Leu267fs; shifts the reading frame from leucine 267.
Molecular consequence: frameshift variant.
Genome position (GRCh38, 1-based): chr13:48,362,896, T deleted. VCF-style (leftmost placement, unchanged base first): chr13-48362895-CT-C. GRCh37 (hg19) VCF-style: chr13-48937031-CT-C.
Other names: c.800delT (NM_000321.2); short protein forms L267fs.
Identifiers: ClinVar variation 565386 (VCV000565386.9), dbSNP rs1566192557, ClinGen allele CA891844536.
Genomic context (GRCh38, chr13:48,362,895, plus strand): 5'-AATGGTTCACCTCGAACACCCAGGCGAGGTCAGAACAGGAGTGCACGGATAGCAAAACAA[CT>C]AGAAAATGATACAAGAATTATTGAAGTTCTCTGTAAAGAACATGAATGTAATATAGATGA-3'

ClinVar aggregate classification (germline): Pathogenic/Likely pathogenic. Review status: criteria provided, multiple submitters, no conflicts (2 of 4 stars). 2 submissions from 2 submitters: Pathogenic (1); Likely pathogenic (1). Last evaluated 2026-05-29.

Conditions:
Retinoblastoma (RB1). Also called: RETINOBLASTOMA, SOMATIC. Identifiers: Orphanet 790, MedGen C0035335, MeSH D012175, MONDO:0008380, OMIM 180200, HP:0009919. Disease mechanism: loss of function. Inheritance: Both sporadic and heritable forms are tested..

Submissions (2):

Diller/Parad Lab, Dana-Farber/Harvard Cancer Center
Classification: Likely pathogenic for Retinoblastoma. Last evaluated: 2026-05-29. Review status: criteria provided, single submitter. Criteria: ACMG Guidelines, 2015. Collection method: research. Allele origin: germline. Affected: yes.
Comment: It has been classified as Likely Pathogenic using Richards et al (PMID:25741868) based on the following evidence codes: PM2, PVS1.

Labcorp Genetics (formerly Invitae), Labcorp
Classification: Pathogenic for Retinoblastoma. Last evaluated: 2020-12-17. Review status: criteria provided, single submitter. Criteria: Invitae Variant Classification Sherloc (09022015). Collection method: clinical testing. Allele origin: germline.
Comment: This variant has not been reported in the literature in individuals with RB1-related disease. ClinVar contains an entry for this variant (Variation ID: 565386). For these reasons, this variant has been classified as Pathogenic. This variant is not present in population databases (ExAC no frequency). This sequence change creates a premature translational stop signal (p.Leu267Glnfs*19) in the RB1 gene. It is expected to result in an absent or disrupted protein product. Loss-of-function variants in RB1 are known to be pathogenic (PMID: 17096365).

Literature cited by the submitters: PubMed 17096365 (cited by Labcorp Genetics (formerly Invitae), Labcorp).